The following is an entry in ClinVar:

ClinVar aggregate classification (germline): Uncertain significance (1 of 4 stars; one submission).

Conditions:
LAMA2-related muscular dystrophy (LAMA2-RD). Also called: Laminin alpha 2-related dystrophy. Identifiers: MedGen C5679788, MONDO:0100228.

Submission:

Labcorp Genetics (formerly Invitae), Labcorp
Classification: Uncertain significance for LAMA2-related muscular dystrophy. Last evaluated: 2022-11-01. Review status: criteria provided, single submitter. Criteria: Invitae Variant Classification Sherloc (09022015). Collection method: clinical testing. Allele origin: germline.
Comment: In summary, the available evidence is currently insufficient to determine the role of this variant in disease. Therefore, it has been classified as a Variant of Uncertain Significance. Advanced modeling of protein sequence and biophysical properties (such as structural, functional, and spatial information, amino acid conservation, physicochemical variation, residue mobility, and thermodynamic stability) performed at Invitae indicates that this missense variant is not expected to disrupt LAMA2 protein function. ClinVar contains an entry for this variant (Variation ID: 1468225). This variant has not been reported in the literature in individuals affected with LAMA2-related conditions. This variant is not present in population databases (gnomAD no frequency). This sequence change replaces valine, which is neutral and non-polar, with phenylalanine, which is neutral and non-polar, at codon 2172 of the LAMA2 protein (p.Val2172Phe).

NM_000426.4(LAMA2):c.6514G>T (p.Val2172Phe)

Gene: LAMA2 (laminin subunit alpha 2; plus strand). Cytogenetic location: 6q22.33.
Variant type: single nucleotide variant.
Coding change: c.6514G>T on transcript NM_000426.4 (MANE Select); coding-DNA position 6514, G replaced by T.
Protein change: p.Val2172Phe; replaces valine 2172 with phenylalanine.
Molecular consequence: missense variant.
Genome position (GRCh38, 1-based): chr6:129,453,072, G>T. VCF-style: chr6-129453072-G-T. GRCh37 (hg19) VCF-style: chr6-129774217-G-T.
Other names: c.6514G>T, p.Val2172Phe (NM_001079823.2); short protein forms V2172F.
Identifiers: ClinVar variation 1468225 (VCV001468225.6), dbSNP rs776304330, ClinGen allele CA365616661.
Genomic context (GRCh38, chr6:129,453,072, plus strand): 5'-GGTGACTGCATTCGAACATACAAACCAGAAATCAAGAAAGGAAGTTACAATAATATTGTT[G>T]TCAACGTAAAGACAGCTGTTGCTGATAACCTCCTCTTTTATCTTGGAAGTGCCAAATTTG-3'
Protein context (NP_000417.3, residues 2162-2182): IKKGSYNNIV[Val2172Phe]NVKTAVADNL